The following is an entry in ClinVar:

NM_017617.5(NOTCH1):c.2872G>T (p.Ala958Ser)

Gene: NOTCH1 (notch receptor 1; minus strand). Cytogenetic location: 9q34.3.
Variant type: single nucleotide variant.
Coding change: c.2872G>T on transcript NM_017617.5 (MANE Select); coding-DNA position 2872, G replaced by T.
Protein change: p.Ala958Ser; replaces alanine 958 with serine.
Molecular consequence: missense variant.
Genome position (GRCh38, 1-based): chr9:136,509,830, C>A on the plus strand (G>T on the coding strand, the complement: NOTCH1 is on the minus strand). VCF-style: chr9-136509830-C-A. GRCh37 (hg19) VCF-style: chr9-139404282-C-A.
Other names: short protein forms A958S.
Identifiers: ClinVar variation 4810957 (VCV004810957.1).

ClinVar aggregate classification (germline): Uncertain significance (1 of 4 stars; one submission).

Conditions:
Adams-Oliver syndrome 5 (AOS5). Identifiers: Orphanet 974, MedGen C4014970, MONDO:0014459, OMIM 616028.

gnomAD v4.1: 1 of 1,613,206 alleles (0.000062%); highest among the groups gnomAD compares: Non-Finnish European, 0.000085%; no homozygotes.

Submission:

Labcorp Genetics (formerly Invitae), Labcorp
Classification: Uncertain significance for Adams-Oliver syndrome 5. Last evaluated: 2025-05-25. Review status: criteria provided, single submitter. Criteria: Invitae Variant Classification Sherloc (09022015). Collection method: clinical testing. Allele origin: germline.
Comment: This sequence change replaces alanine, which is neutral and non-polar, with serine, which is neutral and polar, at codon 958 of the NOTCH1 protein (p.Ala958Ser). This variant is not present in population databases (gnomAD no frequency). This variant has not been reported in the literature in individuals affected with NOTCH1-related conditions. Invitae Evidence Modeling of protein sequence and biophysical properties (such as structural, functional, and spatial information, amino acid conservation, physicochemical variation, residue mobility, and thermodynamic stability) indicates that this missense variant is not expected to disrupt NOTCH1 protein function with a negative predictive value of 95%. In summary, the available evidence is currently insufficient to determine the role of this variant in disease. Therefore, it has been classified as a Variant of Uncertain Significance.